The following is an entry in ClinVar:

NM_001365276.2(TNXB):c.3413G>C (p.Arg1138Thr)

Gene: TNXB (tenascin XB; minus strand). Cytogenetic location: 6p21.33.
Variant type: single nucleotide variant.
Coding change: c.3413G>C on transcript NM_001365276.2 (MANE Select); coding-DNA position 3413, G replaced by C.
Protein change: p.Arg1138Thr; replaces arginine 1138 with threonine.
Molecular consequence: missense variant.
Genome position (GRCh38, 1-based): chr6:32,084,445, C>G on the plus strand (G>C on the coding strand, the complement: TNXB is on the minus strand). VCF-style: chr6-32084445-C-G. GRCh37 (hg19) VCF-style: chr6-32052222-C-G.
Other names: c.4154G>C, p.Arg1385Thr (NM_001428335.1); c.3413G>C, p.Arg1138Thr (NM_019105.8); short protein forms R1385T, R1138T.
Identifiers: ClinVar variation 3971994 (VCV003971994.1).

ClinVar aggregate classification (germline): Uncertain significance (1 of 4 stars; one submission).

Conditions:
Cardiovascular phenotype. Identifiers: MedGen CN230736.

Submission:

Ambry Genetics
Classification: Uncertain significance for Cardiovascular phenotype. Last evaluated: 2025-04-12. Review status: criteria provided, single submitter. Criteria: Ambry Variant Classification Scheme 2023. Collection method: clinical testing. Allele origin: germline.
Comment: The p.R1138T variant (also known as c.3413G>C), located in coding exon 7 of the TNXB gene, results from a G to C substitution at nucleotide position 3413. The arginine at codon 1138 is replaced by threonine, an amino acid with similar properties. This amino acid position is conserved. In addition, this alteration is predicted to be tolerated by in silico analysis. Based on the available evidence, the clinical significance of this variant remains unclear.